The following is an entry in ClinVar:

NM_015972.4(POLR1D):c.146A>G (p.His49Arg)

Genes: POLR1D (RNA polymerase I and III subunit D; plus strand), LOC147380392 (uncharacterized LOC147380392; plus strand). Cytogenetic location: 13q12.2.
Variant type: single nucleotide variant.
Coding change: c.146A>G on transcript NM_015972.4 (MANE Select); coding-DNA position 146, A replaced by G.
Protein change: p.His49Arg; replaces histidine 49 with arginine.
Molecular consequence: missense variant. On other transcripts: intron variant (2).
Genome position (GRCh38, 1-based): chr13:27,622,994, A>G. VCF-style: chr13-27622994-A-G. GRCh37 (hg19) VCF-style: chr13-28197131-A-G.
Other names: c.146A>G, p.His49Arg (NM_001374407.1); c.-59+1854A>G (NM_001206559.2); c.26+985A>G (NM_152705.3); short protein forms H49R.
Identifiers: ClinVar variation 3361090 (VCV003361090.1).

ClinVar aggregate classification (germline): Uncertain significance (1 of 4 stars; one submission).

Submission:

GeneDx
Classification: Uncertain significance. Last evaluated: 2024-04-02. Review status: criteria provided, single submitter. Criteria: GeneDx Variant Classification Process June 2021. Collection method: clinical testing. Allele origin: germline. Affected: yes.
Comment: Not observed in large population cohorts (gnomAD); In silico analysis, which includes protein predictors and evolutionary conservation, supports a deleterious effect; Has not been previously published as pathogenic or benign to our knowledge